The following is an entry in ClinVar:

NM_152564.5(VPS13B):c.7371T>C (p.Ser2457=)

Gene: VPS13B (vacuolar protein sorting 13 homolog B; plus strand). Cytogenetic location: 8q22.2.
Variant type: single nucleotide variant.
Coding change: c.7371T>C on transcript NM_152564.5 (MANE Select); coding-DNA position 7371, T replaced by C.
Protein change: p.Ser2457=; no amino-acid change (serine 2457 retained).
Molecular consequence: synonymous variant.
Genome position (GRCh38, 1-based): chr8:99,776,898, T>C. VCF-style: chr8-99776898-T-C. GRCh37 (hg19) VCF-style: chr8-100789126-T-C.
Other names: c.7446T>C, p.Ser2482= (NM_017890.5).
Identifiers: ClinVar variation 1128828 (VCV001128828.10), dbSNP rs545012804, ClinGen allele CA4824200.

ClinVar aggregate classification (germline): Likely benign. Review status: criteria provided, multiple submitters, no conflicts (2 of 4 stars). 2 submissions from 2 submitters: Likely benign (2). Last evaluated 2026-09-01.

Conditions:
Cohen syndrome (COH1). Also called: PEPPER SYNDROME; Cutis verticis gyrata, retinitis pigmentosa, and sensorineural deafness. Identifiers: Orphanet 193, MedGen C0265223, MONDO:0008999, OMIM 216550.

Allele frequency attached by ClinVar (database versions not stated): gnomAD exomes below 0.00001 and 0.00002; gnomAD 0.00001; ExAC 0.00002; 1000 Genomes Project 30x 0.00016; 1000 Genomes Project 0.00020.
gnomAD v4.1: 7 of 1,614,112 alleles (0.00043%); highest among the groups gnomAD compares: East Asian, 0.016%; no homozygotes.

Submissions (2):

CeGaT Center for Human Genetics Tuebingen
Classification: Likely benign. Last evaluated: 2026-09-01. Review status: criteria provided, single submitter. Criteria: CeGaT Center For Human Genetics Tuebingen Variant Classification Criteria Version 2. Collection method: clinical testing. Allele origin: germline. Affected: yes. Observed: 1 variant allele.
Comment: VPS13B: BP4, BP7

Labcorp Genetics (formerly Invitae), Labcorp
Classification: Likely benign for Cohen syndrome. Last evaluated: 2026-01-04. Review status: criteria provided, single submitter. Criteria: Invitae Variant Classification Sherloc (09022015). Collection method: clinical testing. Allele origin: germline.